The following is an entry in ClinVar:

NM_012431.3(SEMA3E):c.1885G>T (p.Asp629Tyr)

Gene: SEMA3E (semaphorin 3E; minus strand). Cytogenetic location: 7q21.11.
Variant type: single nucleotide variant.
Coding change: c.1885G>T on transcript NM_012431.3 (MANE Select); coding-DNA position 1885, G replaced by T.
Protein change: p.Asp629Tyr; replaces aspartic acid 629 with tyrosine.
Molecular consequence: missense variant.
Genome position (GRCh38, 1-based): chr7:83,368,029, C>A on the plus strand (G>T on the coding strand, the complement: SEMA3E is on the minus strand). VCF-style: chr7-83368029-C-A. GRCh37 (hg19) VCF-style: chr7-82997345-C-A.
Other names: c.1885G>T (NM_012431.2); c.1705G>T, p.Asp569Tyr (NM_001178129.2); short protein forms D569Y, D629Y.
Identifiers: ClinVar variation 3004223 (VCV003004223.4), dbSNP rs763758215, ClinGen allele CA367914761.
Genomic context (GRCh38, chr7:83,368,029, plus strand): 5'-CATCTGATTTGTGTAACCTTAGGAAGAGTAAACCAAGGTCCATCTTAACCACTCTGTCAT[C>A]TGTCTTCACCTGCAAAAACAAAAAAGTAAATGGCACTGAAGTACACAGGAGAGAAAATAA-3'
Protein context (NP_036563.1, residues 619-639): RETRKEEVKT[Asp629Tyr]DRVVKMDLGL

ClinVar aggregate classification (germline): Uncertain significance. Review status: criteria provided, multiple submitters, no conflicts (2 of 4 stars). 2 submissions from 2 submitters: Uncertain significance (2). Last evaluated 2025-04-24.

Conditions:
SEMA3E-related disorder. Also called: SEMA3E-related condition.
CHARGE syndrome (CHARGE). Also called: Hittner Hirsch Kreh syndrome; CHARGE ASSOCIATION--COLOBOMA, HEART ANOMALY, CHOANAL ATRESIA, RETARDATION, GENITAL AND EAR ANOMALIES; Coloboma, heart anomaly, choanal atresia, retardation, genital and ear anomalies; CHARGE association; Hall-Hittner syndrome. Identifiers: Orphanet 138, MedGen C0265354, MONDO:0008965.

gnomAD v4.1: 1 of 1,613,896 alleles (0.000062%); highest among the groups gnomAD compares: Non-Finnish European, 0.000085%; no homozygotes.

Submissions (2):

PreventionGenetics, part of Exact Sciences
Classification: Uncertain significance for SEMA3E-related condition. Last evaluated: 2025-04-24. Review status: criteria provided, single submitter. Criteria: ACMG Guidelines, 2015. Collection method: clinical testing. Allele origin: germline.
Comment: The SEMA3E c.1885G>T variant is predicted to result in the amino acid substitution p.Asp629Tyr. To our knowledge, this variant has not been reported in the literature or in a large population database (gnomAD), indicating this variant is rare. At this time, the clinical significance of this variant is uncertain due to the absence of conclusive functional and genetic evidence.

Labcorp Genetics (formerly Invitae), Labcorp
Classification: Uncertain significance for CHARGE syndrome. Last evaluated: 2023-10-13. Review status: criteria provided, single submitter. Criteria: Invitae Variant Classification Sherloc (09022015). Collection method: clinical testing. Allele origin: germline.
Comment: This sequence change replaces aspartic acid, which is acidic and polar, with tyrosine, which is neutral and polar, at codon 629 of the SEMA3E protein (p.Asp629Tyr). This variant is not present in population databases (gnomAD no frequency). This variant has not been reported in the literature in individuals affected with SEMA3E-related conditions. Advanced modeling of protein sequence and biophysical properties (such as structural, functional, and spatial information, amino acid conservation, physicochemical variation, residue mobility, and thermodynamic stability) performed at Invitae indicates that this missense variant is expected to disrupt SEMA3E protein function. In summary, the available evidence is currently insufficient to determine the role of this variant in disease. Therefore, it has been classified as a Variant of Uncertain Significance.